The following is an entry in ClinVar:

ClinVar aggregate classification (germline): Uncertain significance (1 of 4 stars; one submission).

Conditions:
Immunodeficiency 35 (IMD35). Also called: TYK2 DEFICIENCY; Susceptibility to infection due to TYK2 deficiency; HIES WITH ATYPICAL MYCOBACTERIOSIS, AUTOSOMAL RECESSIVE; HYPER-IgE SYNDROME WITH ATYPICAL MYCOBACTERIOSIS, AUTOSOMAL RECESSIVE. Identifiers: Orphanet 331226, MedGen C1969086, MONDO:0012682, OMIM 611521.

Submission:

Labcorp Genetics (formerly Invitae), Labcorp
Classification: Uncertain significance for Immunodeficiency 35. Last evaluated: 2022-06-20. Review status: criteria provided, single submitter. Criteria: Invitae Variant Classification Sherloc (09022015). Collection method: clinical testing. Allele origin: germline.
Comment: In summary, the available evidence is currently insufficient to determine the role of this variant in disease. Therefore, it has been classified as a Variant of Uncertain Significance. Algorithms developed to predict the effect of missense changes on protein structure and function are either unavailable or do not agree on the potential impact of this missense change (SIFT: "Not Available"; PolyPhen-2: "Benign"; Align-GVGD: "Not Available"). This variant has not been reported in the literature in individuals affected with TYK2-related conditions. This variant is not present in population databases (gnomAD no frequency). This sequence change replaces histidine with asparagine at codon 279 of the TYK2 protein (p.His279Asn). The histidine residue is highly conserved and there is a small physicochemical difference between histidine and asparagine.

NM_003331.5(TYK2):c.835C>A (p.His279Asn)

Gene: TYK2 (tyrosine kinase 2; minus strand). Cytogenetic location: 19p13.2.
Variant type: single nucleotide variant.
Coding change: c.835C>A on transcript NM_003331.5 (MANE Select); coding-DNA position 835, C replaced by A.
Protein change: p.His279Asn; replaces histidine 279 with asparagine.
Molecular consequence: missense variant.
Genome position (GRCh38, 1-based): chr19:10,365,693, G>T on the plus strand (C>A on the coding strand, the complement: TYK2 is on the minus strand). VCF-style: chr19-10365693-G-T. GRCh37 (hg19) VCF-style: chr19-10476369-G-T.
Other names: c.835C>A, p.His279Asn (NM_001385197.1, NM_001385198.1, NM_001385199.1 and 7 more transcripts); c.745C>A, p.His249Asn (NM_001385205.1); short protein forms H249N, H279N.
Identifiers: ClinVar variation 1383237 (VCV001383237.8), dbSNP rs2041627608, ClinGen allele CA404016756.
Genomic context (GRCh38, chr19:10,365,693, plus strand): 5'-CCACCCCACTGTCCCGGATGTAGCAGGGCTCCCCCTCGGCCTGGGCCAGCAGCCTCAGGT[G>T]GCACACGGGCACACGCTCTGTGCCGAAGCGGGGTGCCAGCCGCTCGAGTGTGGCTAGGTA-3'
Protein context (NP_003322.3, residues 269-289): RFGTERVPVC[His279Asn]LRLLAQAEGE